The following is an entry in ClinVar:

ClinVar aggregate classification (germline): Uncertain significance (1 of 4 stars; one submission).

Submission:

Labcorp Genetics (formerly Invitae), Labcorp
Classification: Uncertain significance. Last evaluated: 2025-11-03. Review status: criteria provided, single submitter. Criteria: Invitae Variant Classification Sherloc (09022015). Collection method: clinical testing. Allele origin: germline.
Comment: This sequence change replaces methionine, which is neutral and non-polar, with threonine, which is neutral and polar, at codon 371 of the KIF23 protein (p.Met371Thr). This variant is present in population databases (no rsID available, gnomAD 0.002%). This variant has not been reported in the literature in individuals affected with KIF23-related conditions. Invitae Evidence Modeling of protein sequence and biophysical properties (such as structural, functional, and spatial information, amino acid conservation, physicochemical variation, residue mobility, and thermodynamic stability) indicates that this missense variant is not expected to disrupt KIF23 protein function with a negative predictive value of 80%. In summary, the available evidence is currently insufficient to determine the role of this variant in disease. Therefore, it has been classified as a Variant of Uncertain Significance.

NM_001367805.3(KIF23):c.1154T>C (p.Met385Thr)

Gene: KIF23 (kinesin family member 23; plus strand). Cytogenetic location: 15q23.
Variant type: single nucleotide variant.
Coding change: c.1154T>C on transcript NM_001367805.3 (MANE Select); coding-DNA position 1154, T replaced by C.
Protein change: p.Met385Thr; replaces methionine 385 with threonine.
Molecular consequence: missense variant. On other transcripts: non-coding transcript variant (2).
Genome position (GRCh38, 1-based): chr15:69,435,522, T>C. VCF-style: chr15-69435522-T-C. GRCh37 (hg19) VCF-style: chr15-69727861-T-C.
Other names: c.782T>C, p.Met261Thr (NM_001281301.2); c.1112T>C, p.Met371Thr (NM_001367804.2, NM_004856.7, NM_138555.4); short protein forms M261T, M385T, M371T.
Identifiers: ClinVar variation 4762889 (VCV004762889.1).
Genomic context (GRCh38, chr15:69,435,522, plus strand): 5'-CTATGTATTTTTTTCTGTCAGGTAATATTAATCAGTCACTAATGACGCTAAGAACATGTA[T>C]GGATGTCCTAAGAGAGAACCAAATGTATGGAACTAACAAGGTAAGCAGCAGCCTTCTCTG-3'
Protein context (NP_001354734.1, residues 375-395): NQSLMTLRTC[Met385Thr]DVLRENQMYG